The following is an entry in ClinVar:

ClinVar aggregate classification (germline): Benign. Review status: reviewed by expert panel (3 of 4 stars). 47 submissions from 45 submitters: Benign (1). 46 of the submissions do not count toward it. Last evaluated 2015-01-12.

Conditions:
BRCA2-related cancer predisposition. Identifiers: MedGen CN377758, MONDO:0700269.
Hereditary cancer-predisposing syndrome. Also called: Hereditary Cancer Syndrome; Neoplastic Syndromes, Hereditary; Hereditary neoplastic syndrome; Tumor predisposition. Identifiers: Orphanet 140162, MedGen C0027672, MeSH D009386, MONDO:0015356.
Breast and/or ovarian cancer. Identifiers: MedGen CN221562.
Breast-ovarian cancer, familial, susceptibility to, 2 (BROVCA2). Also called: BRCA2 Hereditary Breast and Ovarian Cancer. Identifiers: Orphanet 145, MedGen C2675520, MONDO:0012933, OMIM 612555. Disease mechanism: loss of function.
Fanconi anemia complementation group D1. Also called: BRCA2-Related Fanconi Anemia. Identifiers: Orphanet 319462, MedGen C1838457, MONDO:0011584, OMIM 605724.
Medulloblastoma (MDB). Also called: MEDULLOBLASTOMA PREDISPOSITION SYNDROME; Medulloblastoma, somatic. Identifiers: Orphanet 616, MedGen C0025149, MeSH D008527, MONDO:0007959, OMIM 155255, HP:0002885.
Pancreatic cancer, susceptibility to, 2. Identifiers: Orphanet 1333, MedGen C3150546, MONDO:0013235, OMIM 613347.
Glioma susceptibility 3 (GLM3). Also called: Glioblastoma 3. Identifiers: Orphanet 182067, Orphanet 360, MedGen C2751641, MONDO:0013093, OMIM 613029.
Wilms tumor 1 (WT1). Also called: Wilms tumor, somatic. Identifiers: Orphanet 654, MedGen CN033288, MONDO:0008679, OMIM 194070.
Familial cancer of breast. Also called: hereditary breast carcinoma; BREAST CANCER, FAMILIAL; Hereditary breast cancer. Identifiers: Orphanet 227535, MedGen C0346153, MONDO:0016419, OMIM 114480. Disease mechanism: loss of function.
Prostate cancer. Also called: Malignant tumor of prostate. Identifiers: Orphanet 1331, MedGen C0376358, MONDO:0008315, HP:0012125.
Breast neoplasm. Also called: Breast Neoplasms; Neoplasm of breast; Breast tumor; Neoplasm of the breast. Identifiers: MedGen C1458155, MeSH D001943, MONDO:0021100, HP:0100013. Disease mechanism: gain of function.
Hereditary breast ovarian cancer syndrome. Also called: Hereditary breast and ovarian cancer syndrome; Breast and ovarian cancer; Hereditary breast and ovarian cancer syndrome (HBOC); BRCA1- and BRCA2-Associated Hereditary Breast and Ovarian Cancer; Hereditary breast and/or ovarian cancer syndrome; Hereditary breast and ovarian cancer. Identifiers: Orphanet 145, MedGen C0677776, MeSH D061325, MONDO:0003582. Disease mechanism: loss of function.
Malignant tumor of breast. Also called: Malignant breast neoplasm; Cancer breast. Identifiers: MedGen C0006142, MONDO:0007254. Disease mechanism: loss of function.

Allele frequency attached by ClinVar (database versions not stated): TOPMed 0.04474; 1000 Genomes Project 30x 0.04653; ESP Exome Variant Server 0.03729; gnomAD 0.03864 and 0.03664; gnomAD exomes 0.00732 and 0.02331; ExAC 0.02266; 1000 Genomes Project 0.04493.
gnomAD v4.1: 16,520 of 1,613,938 alleles (1%); highest among the groups gnomAD compares: African/African-American, 11%; 726 homozygotes.

Submissions 1 to 17 of 47:

Evidence-based Network for the Interpretation of Germline Mutant Alleles (ENIGMA)
Classification: Benign for Breast-ovarian cancer, familial 2. Last evaluated: 2015-01-12. Review status: reviewed by expert panel. Criteria: ENIGMA BRCA1/2 Classification Criteria (2015). Collection method: curation. Allele origin: germline.
Comment: Class 1 not pathogenic based on frequency >1% in an outbred sampleset. Frequency 0.02972 (Asian), 0.126 (African), derived from 1000 genomes (2012-04-30).

Labcorp Genetics (formerly Invitae), Labcorp
Classification: Benign for Hereditary breast ovarian cancer syndrome. Last evaluated: 2026-02-04. Review status: criteria provided, single submitter. Criteria: Invitae Variant Classification Sherloc (09022015). Collection method: clinical testing. Allele origin: germline. Not counted in ClinVar's aggregate classification.

ARUP Laboratories, Molecular Genetics and Genomics, ARUP Laboratories
Classification: Benign. Last evaluated: 2025-07-24. Review status: criteria provided, single submitter. Criteria: ARUP Molecular Germline Variant Investigation Process 2024. Collection method: clinical testing. Allele origin: germline. Not counted in ClinVar's aggregate classification.

Center for Genomic Medicine, Rigshospitalet, Copenhagen University Hospital
Classification: Benign. Last evaluated: 2025-03-04. Review status: criteria provided, single submitter. Criteria: ACMG Guidelines, 2015. Collection method: clinical testing. Allele origin: germline. Not counted in ClinVar's aggregate classification.

KCCC/NGS Laboratory, Kuwait Cancer Control Center
Classification: Benign for Familial cancer of breast. Last evaluated: 2025-02-01. Review status: criteria provided, single submitter. Criteria: ACMG Guidelines, 2015. Collection method: clinical testing. Allele origin: germline. Affected: no. Not counted in ClinVar's aggregate classification.

Dasa
Classification: Benign for Breast-ovarian cancer, familial, susceptibility to, 2. Last evaluated: 2024-12-07. Review status: criteria provided, single submitter. Criteria: DASA Assertion Criteria. Collection method: clinical testing. Allele origin: germline. Not counted in ClinVar's aggregate classification.
Comment: NM_000059.4(BRCA2):c.10234A>G (p.Ile3412Val) is a missense variant that results in the substitution of isoleucine with valine. Population frequency is inconsistent with a disease-causing role for this variant, and observations in unaffected individuals support a benign interpretation. Computational prediction algorithms are consistent with a benign effect. Therefore, based on the currently available evidence, this variant is classified as benign.

Blueprint Genetics
Classification: Likely benign. Last evaluated: 2024-11-27. Review status: criteria provided, single submitter. Criteria: ACMG Guidelines, 2015. Collection method: clinical testing. Allele origin: germline. Not counted in ClinVar's aggregate classification.

All of Us Research Program, National Institutes of Health
Classification: Benign for BRCA2-related cancer predisposition. Last evaluated: 2024-09-28. Review status: criteria provided, single submitter. Criteria: ACMG Guidelines, 2015. Collection method: clinical testing. Allele origin: germline. Inheritance: Autosomal dominant inheritance. Observed: 4,834 variant alleles, 4,617 heterozygotes, 216 homozygotes, 1 hemizygote. Not counted in ClinVar's aggregate classification.
Comment: This study involves interpretation of variants in research participants for the purpose of population health screening. Participant phenotype was not available at the time of variant classification. Additional details can be found in publication PMID: 35346344, PMCID: PMC8962531

KCCC/NGS Laboratory, Kuwait Cancer Control Center
Classification: Benign for Breast-ovarian cancer, familial, susceptibility to, 2. Last evaluated: 2023-07-07. Review status: criteria provided, single submitter. Criteria: ACMG Guidelines, 2015. Collection method: clinical testing. Allele origin: germline. Affected: yes. Not counted in ClinVar's aggregate classification.

Fulgent Genetics
Classification: Benign for Familial cancer of breast; Medulloblastoma; Familial prostate cancer; Wilms tumor 1; Fanconi anemia complementation group D1; Breast-ovarian cancer, familial, susceptibility to, 2; Glioma susceptibility 3; Pancreatic cancer, susceptibility to, 2. Last evaluated: 2022-05-17. Review status: criteria provided, single submitter. Criteria: ACMG Guidelines, 2015. Collection method: clinical testing. Allele origin: unknown. Not counted in ClinVar's aggregate classification.

National Health Laboratory Service, Universitas Academic Hospital and University of the Free State
Classification: Benign for Hereditary breast ovarian cancer syndrome. Last evaluated: 2022-04-19. Review status: criteria provided, single submitter. Criteria: ACMG Guidelines, 2015. Collection method: clinical testing. Allele origin: germline. Affected: yes. Observed: 138 variant alleles. Not counted in ClinVar's aggregate classification.

Genetics Program, Instituto Nacional de Cancer
Classification: Benign for Hereditary breast ovarian cancer syndrome. Last evaluated: 2021-11-01. Review status: criteria provided, single submitter. Criteria: ACMG Guidelines, 2015. Collection method: research. Allele origin: germline. Affected: yes. Not counted in ClinVar's aggregate classification.

Quest Diagnostics Nichols Institute San Juan Capistrano
Classification: Benign. Last evaluated: 2020-06-15. Review status: criteria provided, single submitter. Criteria: Quest Diagnostics criteria. Collection method: clinical testing. Allele origin: unknown. Not counted in ClinVar's aggregate classification.

Sema4
Classification: Benign for Hereditary cancer-predisposing syndrome. Last evaluated: 2020-03-23. Review status: criteria provided, single submitter. Criteria: Sema4 Curation Guidelines. Collection method: curation. Allele origin: germline. Not counted in ClinVar's aggregate classification.

Illumina Laboratory Services, Illumina
Classification: Benign for Fanconi anemia complementation group D1. Last evaluated: 2017-04-27. Review status: criteria provided, single submitter. Criteria: ICSL Variant Classification Criteria 13 December 2019. Collection method: clinical testing. Allele origin: germline. Not counted in ClinVar's aggregate classification.
Comment: This variant was observed as part of a predisposition screen in an ostensibly healthy population. A literature search was performed for the gene, cDNA change, and amino acid change (where applicable). No publications were found based on this search. Allele frequency data from public databases was too high to be consistent with this variant causing disease. Therefore, this variant is classified as benign.

Illumina Laboratory Services, Illumina
Classification: Benign for Breast-ovarian cancer, familial, susceptibility to, 2. Last evaluated: 2017-04-27. Review status: criteria provided, single submitter. Criteria: ICSL Variant Classification Criteria 13 December 2019. Collection method: clinical testing. Allele origin: germline. Not counted in ClinVar's aggregate classification.
Comment: the same text as in the submission from Illumina Laboratory Services, Illumina above.

Cancer Genetics and Genomics Laboratory, British Columbia Cancer Agency
Classification: Benign. Last evaluated: 2017-04-18. Review status: criteria provided, single submitter. Criteria: ACMG Guidelines, 2015. Collection method: clinical testing. Allele origin: germline. Study: The Canadian Open Genetics Repository (COGR). Not counted in ClinVar's aggregate classification.

NM_000059.4(BRCA2):c.10234A>G (p.Ile3412Val)

Gene: BRCA2 (BRCA2 DNA repair associated; plus strand). Cytogenetic location: 13q13.1.
Variant type: single nucleotide variant.
Coding change: c.10234A>G on transcript NM_000059.4 (MANE Select); coding-DNA position 10234, A replaced by G.
Protein change: p.Ile3412Val; replaces isoleucine 3412 with valine.
Molecular consequence: missense variant.
Genome position (GRCh38, 1-based): chr13:32,398,747, A>G. VCF-style: chr13-32398747-A-G. GRCh37 (hg19) VCF-style: chr13-32972884-A-G.
Other names: 10462 A>G; NP_000050.3:p.Ile3412Val; 10462A>G; short protein forms I3412V.
Identifiers: ClinVar variation 41540 (VCV000041540.102), dbSNP rs1801426, ClinGen allele CA010536.